The following is an entry in ClinVar:

ClinVar aggregate classification (germline): Uncertain significance. Review status: criteria provided, multiple submitters, no conflicts (2 of 4 stars). 2 submissions from 2 submitters: Uncertain significance (2). Last evaluated 2026-10-01.

Conditions:
Neuroblastoma, susceptibility to, 3. Also called: ALK-Related Neuroblastic Tumor Susceptibility. Identifiers: Orphanet 635, MedGen C2751681, MONDO:0013083, OMIM 613014.

Submissions (2):

St. Jude Molecular Pathology, St. Jude Children's Research Hospital
Classification: Uncertain significance for Neuroblastoma, susceptibility to, 3. Last evaluated: 2026-10-01. Review status: criteria provided, single submitter. Criteria: St. Jude Assertion Criteria 2020. Collection method: clinical testing. Allele origin: germline.
Comment: The ALK c.2928C>A p.(His976Gln) missense change is absent in gnomAD v2.1.1. The in silico tool REVEL is inconclusive about a pathogenic or benign effect of this variant on protein function, and to our knowledge functional studies have not been performed. To our knowledge, this variant has not been reported in individuals with ALK-related neuroblastic tumor susceptibility. In summary, the evidence currently available is insufficient to determin e the clinical significance of this variant. It has therefore been classified as of uncertain significance.

Labcorp Genetics (formerly Invitae), Labcorp
Classification: Uncertain significance for Neuroblastoma, susceptibility to, 3. Last evaluated: 2022-11-06. Review status: criteria provided, single submitter. Criteria: Invitae Variant Classification Sherloc (09022015). Collection method: clinical testing. Allele origin: germline.
Comment: This sequence change replaces histidine, which is basic and polar, with glutamine, which is neutral and polar, at codon 976 of the ALK protein (p.His976Gln). In summary, the available evidence is currently insufficient to determine the role of this variant in disease. Therefore, it has been classified as a Variant of Uncertain Significance. Algorithms developed to predict the effect of missense changes on protein structure and function are either unavailable or do not agree on the potential impact of this missense change (SIFT: "Deleterious"; PolyPhen-2: "Probably Damaging"; Align-GVGD: "Class C15"). This variant has not been reported in the literature in individuals affected with ALK-related conditions. This variant is not present in population databases (gnomAD no frequency).

NM_004304.5(ALK):c.2928C>A (p.His976Gln)

Gene: ALK (ALK receptor tyrosine kinase; minus strand). Cytogenetic location: 2p23.2.
Variant type: single nucleotide variant.
Coding change: c.2928C>A on transcript NM_004304.5 (MANE Select); coding-DNA position 2928, C replaced by A.
Protein change: p.His976Gln; replaces histidine 976 with glutamine.
Molecular consequence: missense variant.
Genome position (GRCh38, 1-based): chr2:29,227,061, G>T on the plus strand (C>A on the coding strand, the complement: ALK is on the minus strand). VCF-style: chr2-29227061-G-T. GRCh37 (hg19) VCF-style: chr2-29449927-G-T.
Other names: short protein forms H976Q.
Identifiers: ClinVar variation 2119820 (VCV002119820.5), dbSNP rs75895956, ClinGen allele CA346468095.